The following is an entry in ClinVar:

ClinVar aggregate classification (germline): Likely pathogenic (1 of 4 stars; one submission).

Conditions:
STRC-related disorder. Also called: STRC-related condition.

Submission:

PreventionGenetics, part of Exact Sciences
Classification: Likely pathogenic for STRC-related condition. Last evaluated: 2023-01-05. Review status: criteria provided, single submitter. Criteria: ACMG Guidelines, 2015. Collection method: clinical testing. Allele origin: germline.
Comment: The STRC c.261_264delGCCG variant is predicted to result in a frameshift and premature protein termination (p.Gln87Hisfs*10). To our knowledge, this variant has not been reported in the literature or in a large population database, indicating this variant is rare. Frameshift variants in STRC are expected to be pathogenic. This variant is interpreted as likely pathogenic.

NM_153700.2(STRC):c.261_264del (p.Gln87fs)

Gene: STRC (stereocilin; minus strand). Cytogenetic location: 15q15.3.
Variant type: Deletion.
Coding change: c.261_264del on transcript NM_153700.2 (MANE Select); coding-DNA positions 261 to 264, 4 bases deleted (GCCG; older notation c.261_264delGCCG).
Protein change: p.Gln87fs; shifts the reading frame from glutamine 87.
Molecular consequence: frameshift variant.
Genome position (GRCh38, 1-based): chr15:43,618,157-43,618,160, CGGC deleted on the plus strand (GCCG on the coding strand, the reverse complement: STRC is on the minus strand). VCF-style (leftmost placement, unchanged base first): chr15-43618156-GCGGC-G. GRCh37 (hg19) VCF-style: chr15-43910354-GCGGC-G.
Other names: c.261_264delGCCG (NM_153700.2); short protein forms Q87fs.
Identifiers: ClinVar variation 2628933 (VCV002628933.1), dbSNP rs2507597886, ClinGen allele CA2628143456.